The following is an entry in ClinVar:

ClinVar aggregate classification (germline): Pathogenic. Review status: criteria provided, multiple submitters, no conflicts (2 of 4 stars). 2 submissions from 2 submitters: Pathogenic (2). Last evaluated 2024-11-25.

Conditions:
Polycystic kidney disease, adult type (PKD1). Also called: Polycystic Kidney Disease 1, Autosomal Dominant; Polycystic kidney disease 1; Polycystic kidney disease 1, severe; Polycystic Kidney, Autosomal Dominant; POLYCYSTIC KIDNEY DISEASE 1 WITH OR WITHOUT POLYCYSTIC LIVER DISEASE; POLYCYSTIC KIDNEY DISEASE, ADULT, TYPE I. Identifiers: MedGen C3149841, MONDO:0008263, OMIM 173900.

Submissions (2):

Women's Health and Genetics/Laboratory Corporation of America, LabCorp
Classification: Pathogenic for Polycystic kidney disease, adult type. Last evaluated: 2024-11-25. Review status: criteria provided, single submitter. Criteria: LabCorp Variant Classification Summary - May 2015. Collection method: clinical testing. Allele origin: germline.
Comment: Variant summary: PKD1 c.11973_11980dupGGCCTCGC (p.Leu3994ArgfsX48) results in a premature termination codon, predicted to cause absence of the protein due to nonsense mediated decay, which is a commonly known mechanisms for disease. The variant was absent in 210148 control chromosomes. c.11973_11980dupGGCCTCGC has been reported in the literature in one individual affected with Polycystic Kidney Disease 1, but not all the informaiton was provided (example, Kimura_2023). These report(s) do not provide unequivocal conclusions about association of the variant with Polycystic Kidney Disease 1. To our knowledge, no experimental evidence demonstrating an impact on protein function has been reported. The following publication has been ascertained in the context of this evaluation (PMID: 37509056). No submitters have cited clinical-significance assessments for this variant to ClinVar. Based on the evidence outlined above, the variant was classified as pathogenic.

Department of Pathology and Laboratory Medicine, Sinai Health System
Classification: Pathogenic for Polycystic kidney disease, adult type. Last evaluated: 2019-03-02. Review status: criteria provided, single submitter. Criteria: ACMG Guidelines, 2015. Collection method: clinical testing. Allele origin: germline. Affected: yes.

Literature cited by the submitters: PubMed 37509056 (cited by Women's Health and Genetics/Laboratory Corporation of America, LabCorp).

NM_001009944.3(PKD1):c.11973_11980dup (p.Leu3994fs)

Gene: PKD1 (polycystin 1, transient receptor potential channel interacting; minus strand). Cytogenetic location: 16p13.3.
Variant type: Duplication.
Coding change: c.11973_11980dup on transcript NM_001009944.3 (MANE Select); coding-DNA positions 11973 to 11980, 8 bases duplicated (GGCCTCGC; older notation c.11973_11980dupGGCCTCGC).
Protein change: p.Leu3994fs; shifts the reading frame from leucine 3994.
Molecular consequence: frameshift variant.
Genome position (GRCh38, 1-based): chr16:2,090,907-2,090,914, GCGAGGCC duplicated on the plus strand (GGCCTCGC on the coding strand, the reverse complement: PKD1 is on the minus strand); duplicating any 8 consecutive bases within chr16:2,090,907-2,090,916 gives the same sequence; the c. name uses the placement nearest the transcript's 3' end. VCF-style (leftmost placement, unchanged base first): chr16-2090906-A-AGCGAGGCC. GRCh37 (hg19) VCF-style: chr16-2140907-A-AGCGAGGCC.
Other names: c.11973_11980dupGGCCTCGC (NM_001009944.3); c.11970_11977dup, p.Leu3993fs (NM_000296.4); short protein forms L3993fs, L3994fs.
Identifiers: ClinVar variation 3629909 (VCV003629909.2).